The following is an entry in ClinVar:

ClinVar aggregate classification (germline): Uncertain significance (1 of 4 stars; one submission).

Conditions:
Neuronopathy, distal hereditary motor, type 7A. Also called: SPINAL MUSCULAR ATROPHY, DISTAL, WITH VOCAL CORD PARALYSIS; Neuronopathy, distal hereditary motor, type viia; NEURONOPATHY, DISTAL HEREDITARY MOTOR, HARDING TYPE VIIA; HARPER-YOUNG MYOPATHY; HMN VIIA; NEUROPATHY, DISTAL HEREDITARY MOTOR, HARDING TYPE VIIA. Identifiers: Orphanet 139589, MedGen C1834703, MONDO:0008024, OMIM 158580.
Congenital myasthenic syndrome 20. Also called: Myasthenic syndrome, congenital, 20, presynaptic. Identifiers: MedGen C4310694, MONDO:0014939, OMIM 617143.

Allele frequency attached by ClinVar (database versions not stated): gnomAD exomes below 0.00001.
gnomAD v4.1: 1 of 1,613,972 alleles (0.000062%); no homozygotes.

Submission:

Labcorp Genetics (formerly Invitae), Labcorp
Classification: Uncertain significance for Neuronopathy, distal hereditary motor, type 7A; Congenital myasthenic syndrome 20. Last evaluated: 2022-06-09. Review status: criteria provided, single submitter. Criteria: Invitae Variant Classification Sherloc (09022015). Collection method: clinical testing. Allele origin: germline.
Comment: This sequence change replaces leucine, which is neutral and non-polar, with proline, which is neutral and non-polar, at codon 425 of the SLC5A7 protein (p.Leu425Pro). In summary, the available evidence is currently insufficient to determine the role of this variant in disease. Therefore, it has been classified as a Variant of Uncertain Significance. Algorithms developed to predict the effect of missense changes on protein structure and function (SIFT, PolyPhen-2, Align-GVGD) all suggest that this variant is likely to be disruptive. This variant has not been reported in the literature in individuals affected with SLC5A7-related conditions. This variant is not present in population databases (gnomAD no frequency).

NM_021815.5(SLC5A7):c.1274T>C (p.Leu425Pro)

Gene: SLC5A7 (solute carrier family 5 member 7; plus strand). Cytogenetic location: 2q12.3.
Variant type: single nucleotide variant.
Coding change: c.1274T>C on transcript NM_021815.5 (MANE Select); coding-DNA position 1274, T replaced by C.
Protein change: p.Leu425Pro; replaces leucine 425 with proline.
Molecular consequence: missense variant.
Genome position (GRCh38, 1-based): chr2:108,010,392, T>C. VCF-style: chr2-108010392-T-C. GRCh37 (hg19) VCF-style: chr2-108626848-T-C.
Other names: c.1274T>C, p.Leu425Pro (NM_001305005.3); c.959T>C, p.Leu320Pro (NM_001305006.3); c.533T>C, p.Leu178Pro (NM_001305007.3); short protein forms L425P, L178P, L320P.
Identifiers: ClinVar variation 1472608 (VCV001472608.8), dbSNP rs2104383051, ClinGen allele CA348114221.